The following is an entry in ClinVar:

NC_000009.11:g.(?_133946851)_(133952741_?)dup

Gene: LAMC3 (laminin subunit gamma 3; plus strand). Cytogenetic location: 9q34.12.
Variant type: Duplication.
Identifiers: ClinVar variation 2425487 (VCV002425487.3).

ClinVar aggregate classification (germline): Uncertain significance (1 of 4 stars; one submission).

Submission:

Labcorp Genetics (formerly Invitae), Labcorp
Classification: Uncertain significance. Last evaluated: 2022-08-22. Review status: criteria provided, single submitter. Criteria: Invitae Variant Classification Sherloc (09022015). Collection method: clinical testing. Allele origin: germline.
Comment: This variant results in a copy number gain of the genomic region encompassing exon(s) 18-22 of the LAMC3 gene. While the exact position of this variant cannot be determined from the data, sub-genic copy number gains are generally in tandem (PMID: 25640679). This variant is predicted to be in-frame, and likely preserves the integrity of the reading frame. This variant has not been reported in the literature in individuals affected with LAMC3-related conditions. In summary, the available evidence is currently insufficient to determine the role of this variant in disease. Therefore, it has been classified as a Variant of Uncertain Significance.

Literature cited by the submitters: PubMed 25640679.